The following is an entry in ClinVar:

NM_000069.3(CACNA1S):c.664A>T (p.Met222Leu)

Gene: CACNA1S (calcium voltage-gated channel subunit alpha1 S; minus strand). Cytogenetic location: 1q32.1.
Variant type: single nucleotide variant.
Coding change: c.664A>T on transcript NM_000069.3 (MANE Select); coding-DNA position 664, A replaced by T.
Protein change: p.Met222Leu; replaces methionine 222 with leucine.
Molecular consequence: missense variant.
Genome position (GRCh38, 1-based): chr1:201,091,670, T>A on the plus strand (A>T on the coding strand, the complement: CACNA1S is on the minus strand). VCF-style: chr1-201091670-T-A. GRCh37 (hg19) VCF-style: chr1-201060798-T-A.
Other names: short protein forms M222L.
Identifiers: ClinVar variation 5033619 (VCV005033619.1).
Genomic context (GRCh38, chr1:201,091,670, plus strand): 5'-CCCACAGCCCCACTTTCCCTGGGAGCTCACCTGTACCAATGAAGTAGCAGGTCTTGTGCA[T>A]CTTGCCCTTGAAGAGCTCCAGCCCGATGATGGCATAGATGATGACCATAAAGAGGACCAG-3'
Protein context (NP_000060.2, residues 212-232): IIGLELFKGK[Met222Leu]HKTCYFIGTD

ClinVar aggregate classification (germline): Uncertain significance (1 of 4 stars; one submission).

Conditions:
Inborn genetic diseases. Identifiers: MedGen C0950123, MeSH D030342.

Submission:

Ambry Genetics
Classification: Uncertain significance for Inborn genetic diseases. Last evaluated: 2026-07-02. Review status: criteria provided, single submitter. Criteria: Ambry Variant Classification Scheme 2023. Collection method: clinical testing. Allele origin: germline.
Comment: The p.M222L variant (also known as c.664A>T), located in coding exon 5 of the CACNA1S gene, results from an A to T substitution at nucleotide position 664. The methionine at codon 222 is replaced by leucine, an amino acid with highly similar properties. This amino acid position is conserved. In addition, this alteration is predicted to be deleterious by in silico analysis. Based on the available evidence, the clinical significance of this variant remains unclear.